The following is an entry in ClinVar:

ClinVar aggregate classification (germline): Uncertain significance (1 of 4 stars; one submission).

Conditions:
Familial cancer of breast. Also called: hereditary breast carcinoma; BREAST CANCER, FAMILIAL; Hereditary breast cancer. Identifiers: Orphanet 227535, MedGen C0346153, MONDO:0016419, OMIM 114480. Disease mechanism: loss of function.

Submission:

Labcorp Genetics (formerly Invitae), Labcorp
Classification: Uncertain significance for Familial cancer of breast. Last evaluated: 2025-12-11. Review status: criteria provided, single submitter. Criteria: Invitae Variant Classification Sherloc (09022015). Collection method: clinical testing. Allele origin: germline.
Comment: This sequence change replaces glutamine, which is neutral and polar, with glutamic acid, which is acidic and polar, at codon 506 of the PALB2 protein (p.Gln506Glu). This variant is not present in population databases (gnomAD no frequency). This variant has not been reported in the literature in individuals affected with PALB2-related conditions. ClinVar contains an entry for this variant (Variation ID: 3694031). Invitae Evidence Modeling of protein sequence and biophysical properties (such as structural, functional, and spatial information, amino acid conservation, physicochemical variation, residue mobility, and thermodynamic stability) indicates that this missense variant is expected to disrupt PALB2 protein function with a positive predictive value of 80%. In summary, the available evidence is currently insufficient to determine the role of this variant in disease. Therefore, it has been classified as a Variant of Uncertain Significance.

NM_024675.4(PALB2):c.1516C>G (p.Gln506Glu)

Gene: PALB2 (partner and localizer of BRCA2; minus strand). Cytogenetic location: 16p12.2.
Variant type: single nucleotide variant.
Coding change: c.1516C>G on transcript NM_024675.4 (MANE Select); coding-DNA position 1516, C replaced by G.
Protein change: p.Gln506Glu; replaces glutamine 506 with glutamic acid.
Molecular consequence: missense variant. On other transcripts: intron variant (3).
Genome position (GRCh38, 1-based): chr16:23,635,030, G>C on the plus strand (C>G on the coding strand, the complement: PALB2 is on the minus strand). VCF-style: chr16-23635030-G-C. GRCh37 (hg19) VCF-style: chr16-23646351-G-C.
Other names: c.1456C>G, p.Gln486Glu (NM_001407296.1); c.1516C>G, p.Gln506Glu (NM_001407297.1, NM_001407298.1, NM_001407299.1 and 3 more transcripts); c.631C>G, p.Gln211Glu (NM_001407304.1, NM_001407305.1, NM_001407306.1 and 5 more transcripts); c.49-5755C>G (NM_001407314.1); c.-104-4561C>G (NM_001407313.1, NM_001407312.1); short protein forms Q211E, Q506E, Q486E.
Identifiers: ClinVar variation 3694031 (VCV003694031.2).